The following is an entry in ClinVar:

NM_003590.5(CUL3):c.428G>A (p.Gly143Glu)

Gene: CUL3 (cullin 3; minus strand). Cytogenetic location: 2q36.2.
Variant type: single nucleotide variant.
Coding change: c.428G>A on transcript NM_003590.5 (MANE Select); coding-DNA position 428, G replaced by A.
Protein change: p.Gly143Glu; replaces glycine 143 with glutamic acid.
Molecular consequence: missense variant.
Genome position (GRCh38, 1-based): chr2:224,514,723, C>T on the plus strand (G>A on the coding strand, the complement: CUL3 is on the minus strand). VCF-style: chr2-224514723-C-T. GRCh37 (hg19) VCF-style: chr2-225379440-C-T.
Other names: c.230G>A, p.Gly77Glu (NM_001257197.2); c.446G>A, p.Gly149Glu (NM_001257198.2); short protein forms G143E, G149E, G77E.
Identifiers: ClinVar variation 2571915 (VCV002571915.1), dbSNP rs2470004120, ClinGen allele CA350832023.
Genomic context (GRCh38, chr2:224,514,723, plus strand): 5'-TGCCGTAGATGATCCCTAATACACCCATAACGTACAACTTGATCTCGAAAAATAATTAAT[C>T]CCAAATTGTAGACGTTCTCCACATTATTTTGTTGTACATACACACGGTCCTACAGTTAAA-3'
Protein context (NP_003581.1, residues 133-153): QNNVENVYNL[Gly143Glu]LIIFRDQVVR

ClinVar aggregate classification (germline): Uncertain significance (1 of 4 stars; one submission).

Submission:

GeneDx
Classification: Uncertain significance. Last evaluated: 2023-01-06. Review status: criteria provided, single submitter. Criteria: GeneDx Variant Classification Process June 2021. Collection method: clinical testing. Allele origin: germline. Affected: yes.
Comment: Not observed at significant frequency in large population cohorts (gnomAD); In silico analysis supports that this missense variant has a deleterious effect on protein structure/function; Has not been previously published as pathogenic or benign to our knowledge